The following is an entry in ClinVar:

ClinVar aggregate classification (germline): Uncertain significance (1 of 4 stars; one submission).

Allele frequency attached by ClinVar (database versions not stated): ExAC 0.00001; gnomAD 0.00001; gnomAD exomes 0.00001.
gnomAD v4.1: 11 of 1,613,958 alleles (0.00068%); highest among the groups gnomAD compares: South Asian, 0.012%; no homozygotes.

Submission:

Labcorp Genetics (formerly Invitae), Labcorp
Classification: Uncertain significance. Last evaluated: 2020-01-29. Review status: criteria provided, single submitter. Criteria: Invitae Variant Classification Sherloc (09022015). Collection method: clinical testing. Allele origin: germline.
Comment: This sequence change replaces histidine with arginine at codon 178 of the CCT2 protein (p.His178Arg). The histidine residue is highly conserved and there is a small physicochemical difference between histidine and arginine. This variant is present in population databases (rs750198798, ExAC 0.006%). This variant has not been reported in the literature in individuals with CCT2-related conditions. Algorithms developed to predict the effect of missense changes on protein structure and function are either unavailable or do not agree on the potential impact of this missense change (SIFT: "Deleterious"; PolyPhen-2: "Benign"; Align-GVGD: "Class C0"). In summary, the available evidence is currently insufficient to determine the role of this variant in disease. Therefore, it has been classified as a Variant of Uncertain Significance.

NM_006431.3(CCT2):c.533A>G (p.His178Arg)

Gene: CCT2 (chaperonin containing TCP1 subunit 2; plus strand). Cytogenetic location: 12q15.
Variant type: single nucleotide variant.
Coding change: c.533A>G on transcript NM_006431.3 (MANE Select); coding-DNA position 533, A replaced by G.
Protein change: p.His178Arg; replaces histidine 178 with arginine.
Molecular consequence: missense variant.
Genome position (GRCh38, 1-based): chr12:69,589,571, A>G. VCF-style: chr12-69589571-A-G. GRCh37 (hg19) VCF-style: chr12-69983351-A-G.
Other names: c.392A>G, p.His131Arg (NM_001198842.2); short protein forms H131R, H178R.
Identifiers: ClinVar variation 1057010 (VCV001057010.9), dbSNP rs750198798, ClinGen allele CA6680610.
Genomic context (GRCh38, chr12:69,589,571, plus strand): 5'-ATTTAATGAATATTGCGGGCACAACATTATCCTCAAAACTTCTTACTCATCACAAAGACC[A>G]CTTTACAAAGTTAGCTGTAGAAGCAGTTCTCAGACTGAAAGGCTCTGGCAACCTGGAGGC-3'
Protein context (NP_006422.1, residues 168-188): SSKLLTHHKD[His178Arg]FTKLAVEAVL